The following is an entry in ClinVar:

NM_001040716.2(PC):c.2142C>G (p.Ser714Arg)

Gene: PC (pyruvate carboxylase; minus strand). Cytogenetic location: 11q13.2.
Variant type: single nucleotide variant.
Coding change: c.2142C>G on transcript NM_001040716.2 (MANE Select); coding-DNA position 2142, C replaced by G.
Protein change: p.Ser714Arg; replaces serine 714 with arginine.
Molecular consequence: missense variant.
Genome position (GRCh38, 1-based): chr11:66,851,121, G>C on the plus strand (C>G on the coding strand, the complement: PC is on the minus strand). VCF-style: chr11-66851121-G-C. GRCh37 (hg19) VCF-style: chr11-66618592-G-C.
Other names: c.2142C>G, p.Ser714Arg (NM_000920.4, NM_022172.3); short protein forms S714R.
Identifiers: ClinVar variation 1006122 (VCV001006122.8), dbSNP rs1945464815, ClinGen allele CA381493610.

ClinVar aggregate classification (germline): Uncertain significance (1 of 4 stars; one submission).

Conditions:
Pyruvate carboxylase deficiency. Also called: PC DEFICIENCY; ATAXIA WITH LACTIC ACIDOSIS II; Pyruvate Carboxylase Deficiency Disease; LEIGH NECROTIZING ENCEPHALOPATHY DUE TO PYRUVATE CARBOXYLASE DEFICIENCY; LEIGH SYNDROME DUE TO PYRUVATE CARBOXYLASE DEFICIENCY. Identifiers: Orphanet 3008, MedGen C0034341, MONDO:0009949, OMIM 266150.

Allele frequency attached by ClinVar (database versions not stated): gnomAD exomes below 0.00001.
gnomAD v4.1: 2 of 1,612,946 alleles (0.00012%); highest among the groups gnomAD compares: South Asian, 0.0022%; no homozygotes.

Submission:

Labcorp Genetics (formerly Invitae), Labcorp
Classification: Uncertain significance for Pyruvate carboxylase deficiency. Last evaluated: 2022-08-10. Review status: criteria provided, single submitter. Criteria: Invitae Variant Classification Sherloc (09022015). Collection method: clinical testing. Allele origin: germline.
Comment: ClinVar contains an entry for this variant (Variation ID: 1006122). Algorithms developed to predict the effect of missense changes on protein structure and function (SIFT, PolyPhen-2, Align-GVGD) all suggest that this variant is likely to be tolerated. In summary, the available evidence is currently insufficient to determine the role of this variant in disease. Therefore, it has been classified as a Variant of Uncertain Significance. This sequence change replaces serine, which is neutral and polar, with arginine, which is basic and polar, at codon 714 of the PC protein (p.Ser714Arg). This variant is not present in population databases (gnomAD no frequency). This variant has not been reported in the literature in individuals affected with PC-related conditions.